The following is an entry in ClinVar:

NM_080911.3(UNG):c.911G>A (p.Gly304Asp)

Gene: UNG (uracil DNA glycosylase; plus strand). Cytogenetic location: 12q24.11.
Variant type: single nucleotide variant.
Coding change: c.911G>A on transcript NM_080911.3 (MANE Select); coding-DNA position 911, G replaced by A.
Protein change: p.Gly304Asp; replaces glycine 304 with aspartic acid.
Molecular consequence: missense variant.
Genome position (GRCh38, 1-based): chr12:109,109,938, G>A. VCF-style: chr12-109109938-G-A. GRCh37 (hg19) VCF-style: chr12-109547743-G-A.
Other names: c.884G>A, p.Gly295Asp (NM_003362.4); short protein forms G304D, G295D.
Identifiers: ClinVar variation 532545 (VCV000532545.8), dbSNP rs1555265484, ClinGen allele CA386476370.

ClinVar aggregate classification (germline): Uncertain significance (1 of 4 stars; one submission).

Conditions:
Hyper-IgM syndrome type 5 (HIGM5). Also called: Hyper-IgM Immunodeficiency Syndrome, Type 5. Identifiers: Orphanet 101092, MedGen C1720958, MONDO:0011971, OMIM 608106.

Allele frequency attached by ClinVar (database versions not stated): gnomAD exomes below 0.00001.
gnomAD v4.1: 2 of 1,614,144 alleles (0.00012%); highest among the groups gnomAD compares: Non-Finnish European, 0.00017%; no homozygotes.

Submission:

Labcorp Genetics (formerly Invitae), Labcorp
Classification: Uncertain significance for Hyper-IgM syndrome type 5. Last evaluated: 2022-08-01. Review status: criteria provided, single submitter. Criteria: Invitae Variant Classification Sherloc (09022015). Collection method: clinical testing. Allele origin: germline.
Comment: This variant is not present in population databases (gnomAD no frequency). In summary, the available evidence is currently insufficient to determine the role of this variant in disease. Therefore, it has been classified as a Variant of Uncertain Significance. Algorithms developed to predict the effect of missense changes on protein structure and function are either unavailable or do not agree on the potential impact of this missense change (SIFT: "Deleterious"; PolyPhen-2: "Benign"; Align-GVGD: "Class C0"). ClinVar contains an entry for this variant (Variation ID: 532545). This variant has not been reported in the literature in individuals affected with UNG-related conditions. This sequence change replaces glycine, which is neutral and non-polar, with aspartic acid, which is acidic and polar, at codon 304 of the UNG protein (p.Gly304Asp).